The following is an entry in ClinVar:

ClinVar aggregate classification (germline): Pathogenic/Likely pathogenic. Review status: criteria provided, multiple submitters, no conflicts (2 of 4 stars). 2 submissions from 2 submitters: Pathogenic (1); Likely pathogenic (1). Last evaluated 2024-10-14.

Conditions:
Osteogenesis imperfecta type 11. Also called: Osteogenesis imperfecta, type XI; OI, TYPE XI. Identifiers: Orphanet 666, MedGen C3151218, MONDO:0012592, OMIM 610968.

Submissions (2):

Labcorp Genetics (formerly Invitae), Labcorp
Classification: Pathogenic. Last evaluated: 2024-10-14. Review status: criteria provided, single submitter. Criteria: Invitae Variant Classification Sherloc (09022015). Collection method: clinical testing. Allele origin: germline.
Comment: This sequence change creates a premature translational stop signal (p.Ser8Glnfs*67) in the FKBP10 gene. It is expected to result in an absent or disrupted protein product. Loss-of-function variants in FKBP10 are known to be pathogenic (PMID: 22689593, 22949511). The frequency data for this variant in the population databases is considered unreliable, as metrics indicate poor data quality at this position in the gnomAD database. This premature translational stop signal has been observed in individual(s) with osteogenesis imperfecta (PMID: 23613367). ClinVar contains an entry for this variant (Variation ID: 1457018). For these reasons, this variant has been classified as Pathogenic.

Neuberg Centre For Genomic Medicine, NCGM
Classification: Likely pathogenic for Osteogenesis imperfecta type 11. Last evaluated: 2023-05-20. Review status: criteria provided, single submitter. Criteria: ACMG Guidelines, 2015. Collection method: clinical testing. Allele origin: germline. Inheritance: Autosomal recessive inheritance. Affected: yes.
Comment: The observed frameshift variant c.21dup(p.Ser8GlnfsTer67) in FKBP10 gene has been reported previously in homozygous state in an individual with Osteogenesis Imperfecta (Caparrós-Martin JA, et al., 2013). The c.21dup variant has 0.002% allele frequency in gnomAD Exomes. The frequency data for this variant in the population databases is considered unreliable, as metrics indicate poor data quality at this position in the ExAC database. This variant has been reported to the ClinVar database as Pathogenic. However, experimental studies on the pathogenicity of the variant are not available. This variant causes a frameshift starting with codon Serine 8, changes this amino acid to Glutamine residue, and creates a premature Stop codon at position 67 of the new reading frame, denoted p.Ser8GlnfsTer67. This variant is predicted to cause loss of normal protein function through protein truncation.Loss-of-function variants in FKBP10 are known to be pathogenic (Schwarze U, et al., 2013). For these reasons, this variant has been classified as Likely Pathogenic.

Literature cited by the submitters: PubMed 22689593 (cited by Labcorp Genetics (formerly Invitae), Labcorp); PubMed 22949511 (cited by Labcorp Genetics (formerly Invitae), Labcorp); PubMed 23613367 (cited by Labcorp Genetics (formerly Invitae), Labcorp).

NM_021939.4(FKBP10):c.21dup (p.Ser8fs)

Gene: FKBP10 (FKBP prolyl isomerase 10; plus strand). Cytogenetic location: 17q21.2.
Variant type: Duplication.
Coding change: c.21dup on transcript NM_021939.4 (MANE Select); coding-DNA position 21, one base duplicated (C; older notation c.21dupC).
Protein change: p.Ser8fs; shifts the reading frame from serine 8.
Molecular consequence: frameshift variant.
Genome position (GRCh38, 1-based): chr17:41,813,055, C duplicated; the last of 7 consecutive C bases (chr17:41,813,049-41,813,055); duplicating any one gives the same sequence. VCF-style (leftmost placement, unchanged base first): chr17-41813048-G-GC. GRCh37 (hg19) VCF-style: chr17-39969300-G-GC.
Other names: short protein forms S8fs.
Identifiers: ClinVar variation 1457018 (VCV001457018.9), dbSNP rs782271121, ClinGen allele CA8566104.